The following is an entry in ClinVar:

ClinVar aggregate classification (germline): Uncertain significance (1 of 4 stars; one submission).

Submission:

GeneDx
Classification: Uncertain significance. Last evaluated: 2024-07-25. Review status: criteria provided, single submitter. Criteria: GeneDx Variant Classification Process June 2021. Collection method: clinical testing. Allele origin: germline. Affected: yes.
Comment: Not observed at significant frequency in large population cohorts (gnomAD); In silico analysis supports that this missense variant has a deleterious effect on protein structure/function; Has not been previously published as pathogenic or benign to our knowledge

NM_015978.3(TNNI3K):c.1940A>T (p.Asp647Val)

Genes: FPGT-TNNI3K (FPGT-TNNI3K readthrough; plus strand), TNNI3K (TNNI3 interacting kinase; plus strand). Cytogenetic location: 1p31.1.
Variant type: single nucleotide variant.
Coding change: c.1940A>T on transcript NM_015978.3 (MANE Select); coding-DNA position 1940, A replaced by T.
Protein change: p.Asp647Val; replaces aspartic acid 647 with valine.
Molecular consequence: missense variant.
Genome position (GRCh38, 1-based): chr1:74,439,551, A>T. VCF-style: chr1-74439551-A-T. GRCh37 (hg19) VCF-style: chr1-74905235-A-T.
Other names: c.2243A>T, p.Asp748Val (NM_001112808.3, NM_001199327.2); short protein forms D647V, D748V.
Identifiers: ClinVar variation 3600635 (VCV003600635.1).